The following is an entry in ClinVar:

NM_020975.6(RET):c.1770T>C (p.Ile590=)

Gene: RET (ret proto-oncogene; plus strand). Cytogenetic location: 10q11.21.
Variant type: single nucleotide variant.
Coding change: c.1770T>C on transcript NM_020975.6 (MANE Select); coding-DNA position 1770, T replaced by C.
Protein change: p.Ile590=; no amino-acid change (isoleucine 590 retained).
Molecular consequence: synonymous variant. On other transcripts: intron variant (2).
Genome position (GRCh38, 1-based): chr10:43,113,566, T>C. VCF-style: chr10-43113566-T-C. GRCh37 (hg19) VCF-style: chr10-43609014-T-C.
Other names: c.1770T>C, p.Ile590= (NM_000323.2, NM_001406743.1, NM_001406744.1 and 6 more transcripts); c.1008T>C, p.Ile336= (NM_001355216.2); c.1641T>C, p.Ile547= (NM_001406761.1, NM_001406762.1, NM_001406764.1 and 1 more transcripts); c.585T>C, p.Ile195= (NM_001406788.1, NM_001406789.1, NM_001406790.1); c.1374T>C, p.Ile458= (NM_001406769.1, NM_001406772.1); c.1482T>C, p.Ile494= (NM_001406770.1, NM_001406766.1, NM_001406767.1); c.1332T>C, p.Ile444= (NM_001406771.1, NM_001406773.1); c.1245T>C, p.Ile415= (NM_001406774.1); and 7 more.
Identifiers: ClinVar variation 772218 (VCV000772218.13), dbSNP rs1160114479, ClinGen allele CA469027829.

ClinVar aggregate classification (germline): Benign/Likely benign. Review status: criteria provided, multiple submitters, no conflicts (2 of 4 stars). 3 submissions from 3 submitters: Benign (1); Likely benign (2). Last evaluated 2025-10-14.

Conditions:
Multiple endocrine neoplasia, type 2 (MEN2). Identifiers: Orphanet 653, MedGen C4048306, MONDO:0019003. Disease mechanism: gain of function.
Hereditary cancer-predisposing syndrome. Also called: Neoplastic Syndromes, Hereditary; Hereditary Cancer Syndrome; Tumor predisposition; Hereditary neoplastic syndrome. Identifiers: Orphanet 140162, MedGen C0027672, MeSH D009386, MONDO:0015356.
Multiple endocrine neoplasia type 2A. Also called: Multiple Endocrine Neoplasia Type 2A (MEN2A); MULTIPLE ENDOCRINE NEOPLASIA, TYPE IIA; PTC SYNDROME; SIPPLE SYNDROME; MEN 2A; MEN-2A syndrome. Identifiers: Orphanet 247698, Orphanet 653, MedGen C0025268, MeSH D018813, MONDO:0008234, OMIM 171400.

Allele frequency attached by ClinVar (database versions not stated): gnomAD exomes below 0.00001; gnomAD 0.00001.
gnomAD v4.1: 9 of 1,608,636 alleles (0.00056%); highest among the groups gnomAD compares: East Asian, 0.0022%; no homozygotes.

Submissions (3):

Labcorp Genetics (formerly Invitae), Labcorp
Classification: Likely benign for Multiple endocrine neoplasia, type 2. Last evaluated: 2025-10-14. Review status: criteria provided, single submitter. Criteria: Invitae Variant Classification Sherloc (09022015). Collection method: clinical testing. Allele origin: germline.

Myriad Genetics, Inc.
Classification: Benign for Multiple endocrine neoplasia type 2A. Last evaluated: 2025-02-26. Review status: criteria provided, single submitter. Criteria: Myriad Autosomal Dominant, Autosomal Recessive and X-Linked Classification Criteria (2023). Collection method: clinical testing. Allele origin: unknown.
Comment: This variant is considered benign. This variant is a silent/synonymous amino acid change and it is not expected to impact splicing.

Ambry Genetics
Classification: Likely benign for Hereditary cancer-predisposing syndrome. Last evaluated: 2022-03-03. Review status: criteria provided, single submitter. Criteria: Ambry Variant Classification Scheme 2023. Collection method: clinical testing. Allele origin: germline.